The following is an entry in ClinVar:

ClinVar aggregate classification (germline): Uncertain significance (1 of 4 stars; one submission).

Conditions:
Developmental and epileptic encephalopathy, 9 (DEE9). Also called: EPILEPSY, FEMALE-RESTRICTED, WITH MENTAL RETARDATION; JUBERG-HELLMAN SYNDROME; Early infantile epileptic encephalopathy 9; PCDH19-Related X-Linked Female-Limited Epilepsy with Mental Retardation. Identifiers: Orphanet 101039, Orphanet 2076, MedGen C1848137, MONDO:0010246, OMIM 300088. Disease mechanism: loss of function.

Submission:

Labcorp Genetics (formerly Invitae), Labcorp
Classification: Uncertain significance for Developmental and epileptic encephalopathy, 9. Last evaluated: 2021-09-18. Review status: criteria provided, single submitter. Criteria: Invitae Variant Classification Sherloc (09022015). Collection method: clinical testing. Allele origin: germline.
Comment: Advanced modeling of protein sequence and biophysical properties (such as structural, functional, and spatial information, amino acid conservation, physicochemical variation, residue mobility, and thermodynamic stability) performed at Invitae indicates that this missense variant is expected to disrupt PCDH19 protein function. This sequence change replaces proline with alanine at codon 566 of the PCDH19 protein (p.Pro566Ala). The proline residue is highly conserved and there is a small physicochemical difference between proline and alanine. This variant is not present in population databases (ExAC no frequency). This variant has not been reported in the literature in individuals affected with PCDH19-related conditions. In summary, the available evidence is currently insufficient to determine the role of this variant in disease. Therefore, it has been classified as a Variant of Uncertain Significance.

NM_001184880.2(PCDH19):c.1696C>G (p.Pro566Ala)

Gene: PCDH19 (protocadherin 19; minus strand). Cytogenetic location: Xq22.1.
Variant type: single nucleotide variant.
Coding change: c.1696C>G on transcript NM_001184880.2 (MANE Select); coding-DNA position 1696, C replaced by G.
Protein change: p.Pro566Ala; replaces proline 566 with alanine.
Molecular consequence: missense variant.
Genome position (GRCh38, 1-based): chrX:100,406,902, G>C on the plus strand (C>G on the coding strand, the complement: PCDH19 is on the minus strand). VCF-style: chrX-100406902-G-C. GRCh37 (hg19) VCF-style: chrX-99661900-G-C.
Other names: c.1696C>G, p.Pro566Ala (NM_001105243.2, NM_020766.3); short protein forms P566A.
Identifiers: ClinVar variation 1382137 (VCV001382137.6), dbSNP rs1928370474, ClinGen allele CA414002167.